The following is an entry in ClinVar:

ClinVar aggregate classification (germline): Uncertain significance. Review status: criteria provided, multiple submitters, no conflicts (2 of 4 stars). 2 submissions from 2 submitters: Uncertain significance (2). Last evaluated 2022-08-16.

Conditions:
Temtamy preaxial brachydactyly syndrome (TPBS). Identifiers: Orphanet 363417, MedGen C1854466, MONDO:0011533, OMIM 605282.

Allele frequency attached by ClinVar (database versions not stated): gnomAD exomes 0.00002; TOPMed 0.00002; gnomAD 0.00004; ExAC 0.00005.

Submissions (2):

Labcorp Genetics (formerly Invitae), Labcorp
Classification: Uncertain significance for Temtamy preaxial brachydactyly syndrome. Last evaluated: 2022-08-16. Review status: criteria provided, single submitter. Criteria: Invitae Variant Classification Sherloc (09022015). Collection method: clinical testing. Allele origin: germline.
Comment: This sequence change replaces arginine, which is basic and polar, with tryptophan, which is neutral and slightly polar, at codon 233 of the CHSY1 protein (p.Arg233Trp). This variant is present in population databases (rs758494719, gnomAD 0.008%). This variant has not been reported in the literature in individuals affected with CHSY1-related conditions. ClinVar contains an entry for this variant (Variation ID: 1422195). Algorithms developed to predict the effect of missense changes on protein structure and function are either unavailable or do not agree on the potential impact of this missense change (SIFT: "Deleterious"; PolyPhen-2: "Probably Damaging"; Align-GVGD: "Class C0"). In summary, the available evidence is currently insufficient to determine the role of this variant in disease. Therefore, it has been classified as a Variant of Uncertain Significance.

Fulgent Genetics
Classification: Uncertain significance for Temtamy preaxial brachydactyly syndrome. Last evaluated: 2022-02-14. Review status: criteria provided, single submitter. Criteria: ACMG Guidelines, 2015. Collection method: clinical testing. Allele origin: unknown.

NM_014918.5(CHSY1):c.697C>T (p.Arg233Trp)

Gene: CHSY1 (chondroitin sulfate synthase 1; minus strand). Cytogenetic location: 15q26.3.
Variant type: single nucleotide variant.
Coding change: c.697C>T on transcript NM_014918.5 (MANE Select); coding-DNA position 697, C replaced by T.
Protein change: p.Arg233Trp; replaces arginine 233 with tryptophan.
Molecular consequence: missense variant.
Genome position (GRCh38, 1-based): chr15:101,235,201, G>A on the plus strand (C>T on the coding strand, the complement: CHSY1 is on the minus strand). VCF-style: chr15-101235201-G-A. GRCh37 (hg19) VCF-style: chr15-101775406-G-A.
Other names: short protein forms R233W.
Identifiers: ClinVar variation 1422195 (VCV001422195.4), dbSNP rs758494719, ClinGen allele CA7762671.